The following is an entry in ClinVar:

ClinVar aggregate classification (germline): Uncertain significance (1 of 4 stars; one submission).

Submission:

Labcorp Genetics (formerly Invitae), Labcorp
Classification: Uncertain significance. Last evaluated: 2025-07-13. Review status: criteria provided, single submitter. Criteria: Invitae Variant Classification Sherloc (09022015). Collection method: clinical testing. Allele origin: germline.
Comment: This sequence change replaces leucine, which is neutral and non-polar, with phenylalanine, which is neutral and non-polar, at codon 105 of the TRPV6 protein (p.Leu105Phe). This variant is present in population databases (rs756246050, gnomAD 0.006%). This variant has not been reported in the literature in individuals affected with TRPV6-related conditions. Experimental studies and prediction algorithms are not available or were not evaluated, and the functional significance of this variant is currently unknown. In summary, the available evidence is currently insufficient to determine the role of this variant in disease. Therefore, it has been classified as a Variant of Uncertain Significance.

NM_018646.6(TRPV6):c.313C>T (p.Leu105Phe)

Gene: TRPV6 (transient receptor potential cation channel subfamily V member 6; minus strand). Cytogenetic location: 7q34.
Variant type: single nucleotide variant.
Coding change: c.313C>T on transcript NM_018646.6 (MANE Select); coding-DNA position 313, C replaced by T.
Protein change: p.Leu105Phe; replaces leucine 105 with phenylalanine.
Molecular consequence: missense variant.
Genome position (GRCh38, 1-based): chr7:142,877,962, G>A on the plus strand (C>T on the coding strand, the complement: TRPV6 is on the minus strand). VCF-style: chr7-142877962-G-A. GRCh37 (hg19) VCF-style: chr7-142575715-G-A.
Other names: short protein forms L105F.
Identifiers: ClinVar variation 4807295 (VCV004807295.1).